The following is an entry in ClinVar:

NM_001382391.1(CSPP1):c.3496G>C (p.Asp1166His)

Genes: ARFGEF1 (ARF guanine nucleotide exchange factor 1; minus strand), CSPP1 (centrosome and spindle pole associated protein 1; plus strand). Cytogenetic location: 8q13.2.
Variant type: single nucleotide variant.
Coding change: c.3496G>C on transcript NM_001382391.1 (MANE Select); coding-DNA position 3496, G replaced by C.
Protein change: p.Asp1166His; replaces aspartic acid 1166 with histidine.
Molecular consequence: missense variant. On other transcripts: synonymous variant (1), intron variant (2).
Genome position (GRCh38, 1-based): chr8:67,195,408, G>C. VCF-style: chr8-67195408-G-C. GRCh37 (hg19) VCF-style: chr8-68107643-G-C.
Other names: c.2446G>C, p.Asp816His (NM_001291339.2); c.3415G>C, p.Asp1139His (NM_001363131.2); c.3301G>C, p.Asp1101His (NM_001363132.2); c.3220G>C, p.Asp1074His (NM_001363133.2); c.3562G>C, p.Asp1188His (NM_001364869.1); c.3382G>C, p.Asp1128His (NM_001364870.1); c.3328G>C, p.Asp1110His (NM_001438330.1); c.3342G>C, p.Leu1114= (NM_001438331.1); and 4 more; short protein forms D816H, D1101H, D1128H, D1166H, D1074H, D1139H, D1161H, D1188H.
Identifiers: ClinVar variation 1046686 (VCV001046686.9), dbSNP rs1837730212, ClinGen allele CA371204049.
Genomic context (GRCh38, chr8:67,195,408, plus strand): 5'-GTTACCTGAGCCACGTGTCCCTTGCCTCCTGTAGATGATGAGAGTTCACTGGTTGACCCT[G>C]ATGACATCATGAAACACATAGGGGATGACGGATCAAACTCTGTAGCAACTGAGCCCTGGC-3'
Protein context (NP_001369320.1, residues 1156-1176): TDDESSLVDP[Asp1166His]DIMKHIGDDG

ClinVar aggregate classification (germline): Uncertain significance (1 of 4 stars; one submission).

Conditions:
Joubert syndrome 21 (JBTS21). Identifiers: MedGen C3810212, MONDO:0014288, OMIM 615636.

Submission:

Labcorp Genetics (formerly Invitae), Labcorp
Classification: Uncertain significance for Joubert syndrome 21. Last evaluated: 2022-02-04. Review status: criteria provided, single submitter. Criteria: Invitae Variant Classification Sherloc (09022015). Collection method: clinical testing. Allele origin: germline.
Comment: In summary, the available evidence is currently insufficient to determine the role of this variant in disease. Therefore, it has been classified as a Variant of Uncertain Significance. Algorithms developed to predict the effect of missense changes on protein structure and function are either unavailable or do not agree on the potential impact of this missense change (SIFT: "Tolerated"; PolyPhen-2: "Probably Damaging"; Align-GVGD: "Class C0"). ClinVar contains an entry for this variant (Variation ID: 1046686). This variant has not been reported in the literature in individuals affected with CSPP1-related conditions. This variant is not present in population databases (gnomAD no frequency). This sequence change replaces aspartic acid, which is acidic and polar, with histidine, which is basic and polar, at codon 1161 of the CSPP1 protein (p.Asp1161His).